The following is an entry in ClinVar:

ClinVar aggregate classification (germline): Pathogenic (1 of 4 stars; one submission).

Conditions:
Beckwith-Wiedemann syndrome (BWS). Also called: EMG SYNDROME; Exomphalos macroglossia gigantism syndrome. Identifiers: Orphanet 116, MedGen C0004903, MONDO:0007534, OMIM 130650.

Submission:

Labcorp Genetics (formerly Invitae), Labcorp
Classification: Pathogenic for Beckwith-Wiedemann syndrome. Last evaluated: 2022-07-21. Review status: criteria provided, single submitter. Criteria: Invitae Variant Classification Sherloc (09022015). Collection method: clinical testing. Allele origin: germline.
Comment: For these reasons, this variant has been classified as Pathogenic. This variant has not been reported in the literature in individuals affected with CDKN1C-related conditions. This variant is not present in population databases (gnomAD no frequency). This sequence change creates a premature translational stop signal (p.Gln232Serfs*40) in the CDKN1C gene. It is expected to result in an absent or disrupted protein product. Loss-of-function variants in CDKN1C are known to be pathogenic (PMID: 20503313).

Literature cited by the submitters: PubMed 20503313.

NM_001122630.2(CDKN1C):c.661del (p.Gln221fs)

Gene: CDKN1C (cyclin dependent kinase inhibitor 1C; minus strand). Cytogenetic location: 11p15.4.
Variant type: Deletion.
Coding change: c.661del on transcript NM_001122630.2 (MANE Select); coding-DNA position 661, one base deleted (C; older notation c.661delC).
Protein change: p.Gln221fs; shifts the reading frame from glutamine 221.
Molecular consequence: frameshift variant. On other transcripts: intron variant (1).
Genome position (GRCh38, 1-based): chr11:2,884,796, G deleted on the plus strand (C on the coding strand, the reverse complement: CDKN1C is on the minus strand). VCF-style (leftmost placement, unchanged base first): chr11-2884795-TG-T. GRCh37 (hg19) VCF-style: chr11-2906025-TG-T.
Other names: c.694del, p.Gln232fs (NM_000076.2, NM_001362474.2); c.661del, p.Gln221fs (NM_001122631.2); c.255+406del (NM_001362475.2); short protein forms Q221fs, Q232fs.
Identifiers: ClinVar variation 2018560 (VCV002018560.4), dbSNP rs2494384555, ClinGen allele CA2580082631.